The following is an entry in ClinVar:

NM_002617.4(PEX10):c.712G>A (p.Gly238Ser)

Gene: PEX10 (peroxisomal biogenesis factor 10; minus strand). Cytogenetic location: 1p36.32.
Variant type: single nucleotide variant.
Coding change: c.712G>A on transcript NM_002617.4 (MANE Select); coding-DNA position 712, G replaced by A.
Protein change: p.Gly238Ser; replaces glycine 238 with serine.
Molecular consequence: missense variant. On other transcripts: non-coding transcript variant (1).
Genome position (GRCh38, 1-based): chr1:2,406,784, C>T on the plus strand (G>A on the coding strand, the complement: PEX10 is on the minus strand). VCF-style: chr1-2406784-C-T. GRCh37 (hg19) VCF-style: chr1-2338223-C-T.
Other names: c.769G>A, p.Gly257Ser (NM_001374425.1); c.337G>A, p.Gly113Ser (NM_001374426.1); c.280G>A, p.Gly94Ser (NM_001374427.1); c.772G>A, p.Gly258Ser (NM_153818.2); short protein forms G257S, G113S, G238S, G258S, G94S.
Identifiers: ClinVar variation 967776 (VCV000967776.5), dbSNP rs61736380, ClinGen allele CA538062.

ClinVar aggregate classification (germline): Uncertain significance. Review status: criteria provided, multiple submitters, no conflicts (2 of 4 stars). 3 submissions from 3 submitters: Uncertain significance (2). 1 of the submissions does not count toward it. Last evaluated 2025-10-16.

Conditions:
PEX10-related disorder. Also called: PEX10-related condition.
Zellweger spectrum disorders (ZS). Also called: Zellweger syndrome; Zellweger Spectrum Disorder (ZSD); Zellweger Spectrum Disorder; Zellweger Spectrum. Identifiers: Orphanet 912, MedGen C0043459, MONDO:0019609.
Peroxisome biogenesis disorder, complementation group 7 (CG7). Also called: Peroxisome biogenesis disorder, complementation group B. Identifiers: MedGen C1864399.

Allele frequency attached by ClinVar (database versions not stated): TOPMed 0.00004.
gnomAD v4.1: 129 of 1,610,532 alleles (0.008%); highest among the groups gnomAD compares: Non-Finnish European, 0.0094%; no homozygotes.

Submissions (3):

PreventionGenetics, part of Exact Sciences
Classification: Uncertain significance for PEX10-related condition. Last evaluated: 2025-10-16. Review status: criteria provided, single submitter. Criteria: ACMG Guidelines, 2015. Collection method: clinical testing. Allele origin: germline.
Comment: The PEX10 c.772G>A variant is predicted to result in the amino acid substitution p.Gly258Ser. To our knowledge, this variant has not been reported in the literature. This variant is reported in 0.0055% of alleles in individuals of European (Non-Finnish) descent in gnomAD. At this time, the clinical significance of this variant is uncertain due to the absence of conclusive functional and genetic evidence.

Labcorp Genetics (formerly Invitae), Labcorp
Classification: Uncertain significance for Peroxisome biogenesis disorder, complementation group 7. Last evaluated: 2022-09-27. Review status: criteria provided, single submitter. Criteria: Invitae Variant Classification Sherloc (09022015). Collection method: clinical testing. Allele origin: germline.
Comment: This sequence change replaces glycine, which is neutral and non-polar, with serine, which is neutral and polar, at codon 258 of the PEX10 protein (p.Gly258Ser). This variant is present in population databases (rs61736380, gnomAD 0.006%). This variant has not been reported in the literature in individuals affected with PEX10-related conditions. ClinVar contains an entry for this variant (Variation ID: 967776). Algorithms developed to predict the effect of missense changes on protein structure and function output the following: SIFT: "Tolerated"; PolyPhen-2: "Benign"; Align-GVGD: "Class C0". The serine amino acid residue is found in multiple mammalian species, which suggests that this missense change does not adversely affect protein function. In summary, the available evidence is currently insufficient to determine the role of this variant in disease. Therefore, it has been classified as a Variant of Uncertain Significance.

Natera, Inc.
Classification: Uncertain significance for Zellweger syndrome. Last evaluated: 2020-02-03. Review status: no assertion criteria provided. Collection method: clinical testing. Allele origin: germline. Not counted in ClinVar's aggregate classification.